The following is an entry in ClinVar:

ClinVar aggregate classification (germline): Conflicting classifications of pathogenicity. Review status: criteria provided, conflicting classifications (1 of 4 stars). 3 submissions from 3 submitters: Pathogenic (1); Likely pathogenic (1); Uncertain significance (1). Last evaluated 2024-12-07.

Conditions:
Leukodystrophy, hypomyelinating, 10. Also called: PYCR2-related microcephaly-progressive leukoencephalopathy. Identifiers: Orphanet 481152, MedGen C4225332, MONDO:0014632, OMIM 616420.

Allele frequency attached by ClinVar (database versions not stated): gnomAD exomes below 0.00001; gnomAD 0.00001; TOPMed 0.00002.

Submissions (3):

MVZ Martinsried, Medicover Genetics
Classification: Uncertain significance for Leukodystrophy, hypomyelinating, 10. Last evaluated: 2024-12-07. Review status: criteria provided, single submitter. Criteria: ACGS Guidelines, 2020. Collection method: clinical testing. Allele origin: inherited.

GeneDx
Classification: Likely pathogenic. Last evaluated: 2024-04-26. Review status: criteria provided, single submitter. Criteria: GeneDx Variant Classification Process June 2021. Collection method: clinical testing. Allele origin: germline. Affected: yes.
Comment: Canonical splice site variant predicted to result in an in-frame loss of the adjacent exon in a gene for which loss of function is a known mechanism of disease; Not observed at significant frequency in large population cohorts (gnomAD); Has not been previously published as pathogenic or benign to our knowledge

Labcorp Genetics (formerly Invitae), Labcorp
Classification: Pathogenic. Last evaluated: 2019-06-21. Review status: criteria provided, single submitter. Criteria: Invitae Variant Classification Sherloc (09022015). Collection method: clinical testing. Allele origin: germline.
Comment: For these reasons, this variant has been classified as Pathogenic. Donor and acceptor splice site variants typically lead to a loss of protein function (PMID: 16199547), and loss-of-function variants in PYCR2 are known to be pathogenic (PMID: 25865492, 27860360). This variant has been observed in individual(s) with clinical features of hypomyelinating leukodystrophy (Invitae). In at least one individual the data is consistent with the variant being in trans (on the opposite chromosome) from a pathogenic variant. ClinVar contains an entry for this variant (Variation ID: 489137). This variant is not present in population databases (ExAC no frequency). This sequence change affects an acceptor splice site in intron 3 of the PYCR2 gene. It is expected to disrupt RNA splicing and likely results in an absent or disrupted protein product.

Literature cited by the submitters: PubMed 16199547 (cited by Labcorp Genetics (formerly Invitae), Labcorp); PubMed 25865492 (cited by Labcorp Genetics (formerly Invitae), Labcorp); PubMed 27860360 (cited by Labcorp Genetics (formerly Invitae), Labcorp).

NM_013328.4(PYCR2):c.319-1G>C

Genes: MIR6741 (microRNA 6741; minus strand), PYCR2 (pyrroline-5-carboxylate reductase 2; minus strand). Cytogenetic location: 1q42.12.
Variant type: single nucleotide variant.
Coding change: c.319-1G>C on transcript NM_013328.4 (MANE Select); the canonical splice acceptor site of the intron before coding-DNA position 319, G replaced by C.
Molecular consequence: splice acceptor variant. On other transcripts: non-coding transcript variant (1), intron variant (1).
Genome position (GRCh38, 1-based): chr1:225,922,080, C>G on the plus strand (G>C on the coding strand, the complement: PYCR2 is on the minus strand). VCF-style: chr1-225922080-C-G. GRCh37 (hg19) VCF-style: chr1-226109780-C-G.
Other names: c.318+124G>C (NM_001271681.2).
Identifiers: ClinVar variation 489137 (VCV000489137.14), dbSNP rs1450223894, ClinGen allele CA345006731.